The following is an entry in ClinVar:

NM_001130438.3(SPTAN1):c.6356_6357insC (p.Leu2119fs)

Gene: SPTAN1 (spectrin alpha, non-erythrocytic 1; plus strand). Cytogenetic location: 9q34.11.
Variant type: Insertion.
Coding change: c.6356_6357insC on transcript NM_001130438.3 (MANE Select); coding-DNA positions 6356 to 6357, C inserted.
Protein change: p.Leu2119fs; shifts the reading frame from leucine 2119.
Molecular consequence: frameshift variant.
Genome position: GRCh38 VCF-style: chr9-128626467-T-TC. GRCh37 (hg19) VCF-style: chr9-131388746-T-TC.
Other names: c.6281_6282insC, p.Leu2094fs (NM_001195532.2); c.6356_6357insC, p.Leu2119fs (NM_001363759.2, NM_001375310.1, NM_001375311.2 and 1 more transcripts); c.6296_6297insC, p.Leu2099fs (NM_001363765.2, NM_001375314.2); c.6392_6393insC, p.Leu2131fs (NM_001375312.2, NM_001375318.1); c.6341_6342insC, p.Leu2114fs (NM_003127.4); short protein forms L2094fs, L2099fs, L2114fs, L2119fs, L2131fs.
Identifiers: ClinVar variation 1696994 (VCV001696994.2), dbSNP rs2131965616, ClinGen allele CA2580079777.

ClinVar aggregate classification (germline): Uncertain significance (1 of 4 stars; one submission).

Submission:

GeneDx
Classification: Uncertain significance. Last evaluated: 2022-01-14. Review status: criteria provided, single submitter. Criteria: GeneDx Variant Classification Process June 2021. Collection method: clinical testing. Allele origin: germline. Affected: yes.
Comment: Not observed at significant frequency in large population cohorts (gnomAD); Frameshift variant predicted to result in protein truncation or nonsense mediated decay in a gene for which loss-of-function is not a known mechanism of disease; Has not been previously published as pathogenic or benign to our knowledge